The following is an entry in ClinVar:

ClinVar aggregate classification (germline): Pathogenic/Likely pathogenic. Review status: criteria provided, multiple submitters, no conflicts (2 of 4 stars). 3 submissions from 3 submitters: Pathogenic (2); Likely pathogenic (1). Last evaluated 2023-06-04.

Conditions:
Familial cancer of breast. Also called: BREAST CANCER, FAMILIAL; Hereditary breast cancer; hereditary breast carcinoma. Identifiers: Orphanet 227535, MedGen C0346153, MONDO:0016419, OMIM 114480. Disease mechanism: loss of function.
Hereditary cancer-predisposing syndrome. Also called: Neoplastic Syndromes, Hereditary; Tumor predisposition; Hereditary Cancer Syndrome; Hereditary neoplastic syndrome. Identifiers: Orphanet 140162, MedGen C0027672, MeSH D009386, MONDO:0015356.

Submissions (3):

Baylor Genetics
Classification: Likely pathogenic for Familial cancer of breast. Last evaluated: 2023-06-04. Review status: criteria provided, single submitter. Criteria: ACMG Guidelines, 2015. Collection method: clinical testing. Allele origin: unknown.

Myriad Genetics, Inc.
Classification: Pathogenic for Familial cancer of breast. Last evaluated: 2023-02-08. Review status: criteria provided, single submitter. Criteria: Myriad Autosomal Dominant, Autosomal Recessive and X-Linked Classification Criteria (2023). Collection method: clinical testing. Allele origin: unknown.
Comment: This variant is considered pathogenic. This variant creates a frameshift predicted to result in premature protein truncation.

Ambry Genetics
Classification: Pathogenic for Hereditary cancer-predisposing syndrome. Last evaluated: 2020-01-06. Review status: criteria provided, single submitter. Criteria: Ambry Variant Classification Scheme 2023. Collection method: clinical testing. Allele origin: germline.
Comment: The c.1076_1096del21insTGTAAGG pathogenic mutation, located in coding exon 8 of the ATM gene, results from the deletion of 21 nucleotides and insertion of 7 nucleotides causing a translational frameshift with a predicted alternate stop codon (p.E359Vfs*2). This alteration is expected to result in loss of function by premature protein truncation or nonsense-mediated mRNA decay. As such, this alteration is interpreted as a disease-causing mutation.

NM_000051.4(ATM):c.1076_1096delinsTGTAAGG (p.Glu359_Ile366delinsValTer)

Gene: ATM (ATM serine/threonine kinase; plus strand). Cytogenetic location: 11q22.3.
Variant type: Indel.
Coding change: c.1076_1096delinsTGTAAGG on transcript NM_000051.4 (MANE Select); coding-DNA positions 1076 to 1096, AAGATACCAGATCCTTGGAGA replaced by TGTAAGG.
Protein change: p.Glu359_Ile366delinsValTer.
Molecular consequence: nonsense.
Genome position (GRCh38, 1-based): chr11:108,248,943-108,248,963, AAGATACCAGATCCTTGGAGA replaced by TGTAAGG. VCF-style: chr11-108248943-AAGATACCAGATCCTTGGAGA-TGTAAGG. GRCh37 (hg19) VCF-style: chr11-108119670-AAGATACCAGATCCTTGGAGA-TGTAAGG.
Other names: c.1076_1096delinsTGTAAGG, p.Glu359_Ile366delinsValTer (NM_001351834.2).
Identifiers: ClinVar variation 1784784 (VCV001784784.4), dbSNP rs2497207173, ClinGen allele CA2580083750.